The following is an entry in ClinVar:

NM_002528.7(NTHL1):c.524G>A (p.Arg175Lys)

Gene: NTHL1 (nth like DNA glycosylase 1; minus strand). Cytogenetic location: 16p13.3.
Variant type: single nucleotide variant.
Coding change: c.524G>A on transcript NM_002528.7 (MANE Select); coding-DNA position 524, G replaced by A.
Protein change: p.Arg175Lys; replaces arginine 175 with lysine.
Molecular consequence: missense variant. On other transcripts: intron variant (1).
Genome position (GRCh38, 1-based): chr16:2,044,631, C>T on the plus strand (G>A on the coding strand, the complement: NTHL1 is on the minus strand). VCF-style: chr16-2044631-C-T. GRCh37 (hg19) VCF-style: chr16-2094632-C-T.
Other names: c.548G>A (NM_002528.5); c.194G>A, p.Arg65Lys (NM_001318194.2); c.355-905G>A (NM_001318193.2); short protein forms R65K, R175K.
Identifiers: ClinVar variation 1370709 (VCV001370709.10), dbSNP rs2084315998, ClinGen allele CA394294061.

ClinVar aggregate classification (germline): Uncertain significance. Review status: criteria provided, multiple submitters, no conflicts (2 of 4 stars). 3 submissions from 3 submitters: Uncertain significance (3). Last evaluated 2025-06-30.

Conditions:
Hereditary cancer-predisposing syndrome. Also called: Neoplastic Syndromes, Hereditary; Tumor predisposition; Hereditary neoplastic syndrome; Hereditary Cancer Syndrome. Identifiers: Orphanet 140162, MedGen C0027672, MeSH D009386, MONDO:0015356.

Submissions (3):

Ambry Genetics
Classification: Uncertain significance for Hereditary cancer-predisposing syndrome. Last evaluated: 2025-06-30. Review status: criteria provided, single submitter. Criteria: Ambry Variant Classification Scheme 2023. Collection method: clinical testing. Allele origin: germline.
Comment: The p.R183K variant (also known as c.548G>A), located in coding exon 3 of the NTHL1 gene, results from a G to A substitution at nucleotide position 548. The arginine at codon 183 is replaced by lysine, an amino acid with highly similar properties. This amino acid position is conserved. In addition, this alteration is predicted to be tolerated by in silico analysis. Based on the available evidence, the clinical significance of this variant remains unclear.

Center for Genomic Medicine, Rigshospitalet, Copenhagen University Hospital
Classification: Uncertain significance. Last evaluated: 2025-03-04. Review status: criteria provided, single submitter. Criteria: ACMG Guidelines, 2015. Collection method: clinical testing. Allele origin: germline.

Labcorp Genetics (formerly Invitae), Labcorp
Classification: Uncertain significance. Last evaluated: 2022-07-12. Review status: criteria provided, single submitter. Criteria: Invitae Variant Classification Sherloc (09022015). Collection method: clinical testing. Allele origin: germline.
Comment: In summary, the available evidence is currently insufficient to determine the role of this variant in disease. Therefore, it has been classified as a Variant of Uncertain Significance. Algorithms developed to predict the effect of missense changes on protein structure and function are either unavailable or do not agree on the potential impact of this missense change (SIFT: "Not Available"; PolyPhen-2: "Benign"; Align-GVGD: "Not Available"). ClinVar contains an entry for this variant (Variation ID: 1370709). This variant has not been reported in the literature in individuals affected with NTHL1-related conditions. This variant is not present in population databases (gnomAD no frequency). This sequence change replaces arginine, which is basic and polar, with lysine, which is basic and polar, at codon 183 of the NTHL1 protein (p.Arg183Lys).